The following is an entry in ClinVar:

NM_031475.3(ESPN):c.1544G>C (p.Ser515Thr)

Gene: ESPN (espin; plus strand). Cytogenetic location: 1p36.31.
Variant type: single nucleotide variant.
Coding change: c.1544G>C on transcript NM_031475.3 (MANE Select); coding-DNA position 1544, G replaced by C.
Protein change: p.Ser515Thr; replaces serine 515 with threonine.
Molecular consequence: missense variant.
Genome position (GRCh38, 1-based): chr1:6,448,720, G>C. VCF-style: chr1-6448720-G-C. GRCh37 (hg19) VCF-style: chr1-6508780-G-C.
Other names: c.1544G>C, p.Ser515Thr (NM_001367473.1, NM_001367474.1); short protein forms S515T.
Identifiers: ClinVar variation 4742275 (VCV004742275.1).

ClinVar aggregate classification (germline): Uncertain significance (1 of 4 stars; one submission).

gnomAD v4.1: 18 of 1,504,342 alleles (0.0012%); highest among the groups gnomAD compares: Non-Finnish European, 0.0015%; no homozygotes.

Submission:

Labcorp Genetics (formerly Invitae), Labcorp
Classification: Uncertain significance. Last evaluated: 2025-08-22. Review status: criteria provided, single submitter. Criteria: Invitae Variant Classification Sherloc (09022015). Collection method: clinical testing. Allele origin: germline.
Comment: This sequence change replaces serine, which is neutral and polar, with threonine, which is neutral and polar, at codon 515 of the ESPN protein (p.Ser515Thr). The frequency data for this variant in the population databases is considered unreliable, as metrics indicate poor data quality at this position in the gnomAD database. This variant has not been reported in the literature in individuals affected with ESPN-related conditions. An algorithm developed to predict the effect of missense changes on protein structure and function (PolyPhen-2) suggests that this variant is likely to be tolerated. In summary, the available evidence is currently insufficient to determine the role of this variant in disease. Therefore, it has been classified as a Variant of Uncertain Significance.